The following is an entry in ClinVar:

NM_014444.5(TUBGCP4):c.1378T>A (p.Trp460Arg)

Gene: TUBGCP4 (tubulin gamma complex component 4; plus strand). Cytogenetic location: 15q15.3.
Variant type: single nucleotide variant.
Coding change: c.1378T>A on transcript NM_014444.5 (MANE Select); coding-DNA position 1378, T replaced by A.
Protein change: p.Trp460Arg; replaces tryptophan 460 with arginine.
Molecular consequence: missense variant.
Genome position (GRCh38, 1-based): chr15:43,398,139, T>A. VCF-style: chr15-43398139-T-A. GRCh37 (hg19) VCF-style: chr15-43690337-T-A.
Other names: c.1381T>A, p.Trp461Arg (NM_001286414.3); short protein forms W460R, W461R.
Identifiers: ClinVar variation 1017473 (VCV001017473.9), dbSNP rs2044612647, ClinGen allele CA392133399.
Genomic context (GRCh38, chr15:43,398,139, plus strand): 5'-TCTCCCCGGGAAGCCCCTGCATCTGGCTGGGCAGCCCTAGGTCTTTCCTACAAAGTACAG[T>A]GGCCACTACATATTCTCTTCACCCCAGCTGTCCTGGAAAAGTGAGTATTTCTGAGTTTCT-3'
Protein context (NP_055259.2, residues 450-470): AALGLSYKVQ[Trp460Arg]PLHILFTPAV

ClinVar aggregate classification (germline): Uncertain significance (1 of 4 stars; one submission).

gnomAD v4.1: 1 of 1,614,078 alleles (0.000062%); no homozygotes.

Submission:

Labcorp Genetics (formerly Invitae), Labcorp
Classification: Uncertain significance. Last evaluated: 2020-01-30. Review status: criteria provided, single submitter. Criteria: Invitae Variant Classification Sherloc (09022015). Collection method: clinical testing. Allele origin: germline.
Comment: This variant is not present in population databases (ExAC no frequency). This variant has not been reported in the literature in individuals with TUBGCP4-related conditions. This sequence change replaces tryptophan with arginine at codon 461 of the TUBGCP4 protein (p.Trp461Arg). The tryptophan residue is highly conserved and there is a moderate physicochemical difference between tryptophan and arginine. Algorithms developed to predict the effect of missense changes on protein structure and function are either unavailable or do not agree on the potential impact of this missense change (SIFT: "Tolerated"; PolyPhen-2: "Probably Damaging"; Align-GVGD: "Class C0"). In summary, the available evidence is currently insufficient to determine the role of this variant in disease. Therefore, it has been classified as a Variant of Uncertain Significance.